The following is an entry in ClinVar:

ClinVar aggregate classification (germline): Uncertain significance (1 of 4 stars; one submission).

Conditions:
Bardet-Biedl syndrome (BBS). Identifiers: Orphanet 110, MedGen C0752166, MONDO:0015229.

Allele frequency attached by ClinVar (database versions not stated): gnomAD exomes below 0.00001.
gnomAD v4.1: 1 of 1,613,066 alleles (0.000062%); highest among the groups gnomAD compares: Non-Finnish European, 0.000085%; no homozygotes.

Submission:

Labcorp Genetics (formerly Invitae), Labcorp
Classification: Uncertain significance for Bardet-Biedl syndrome. Last evaluated: 2022-07-29. Review status: criteria provided, single submitter. Criteria: Invitae Variant Classification Sherloc (09022015). Collection method: clinical testing. Allele origin: germline.
Comment: In summary, the available evidence is currently insufficient to determine the role of this variant in disease. Therefore, it has been classified as a Variant of Uncertain Significance. Algorithms developed to predict the effect of sequence changes on RNA splicing suggest that this variant may create or strengthen a splice site. Algorithms developed to predict the effect of missense changes on protein structure and function are either unavailable or do not agree on the potential impact of this missense change (SIFT: "Deleterious"; PolyPhen-2: "Benign"; Align-GVGD: "Class C0"). This variant has not been reported in the literature in individuals affected with TTC8-related conditions. This variant is not present in population databases (gnomAD no frequency). This sequence change replaces aspartic acid, which is acidic and polar, with glycine, which is neutral and non-polar, at codon 276 of the TTC8 protein (p.Asp276Gly).

NM_144596.4(TTC8):c.857A>G (p.Asp286Gly)

Gene: TTC8 (tetratricopeptide repeat domain 8; plus strand). Cytogenetic location: 14q31.3.
Variant type: single nucleotide variant.
Coding change: c.857A>G on transcript NM_144596.4 (MANE Select); coding-DNA position 857, A replaced by G.
Protein change: p.Asp286Gly; replaces aspartic acid 286 with glycine.
Molecular consequence: missense variant. On other transcripts: non-coding transcript variant (1).
Genome position (GRCh38, 1-based): chr14:88,861,280, A>G. VCF-style: chr14-88861280-A-G. GRCh37 (hg19) VCF-style: chr14-89327624-A-G.
Other names: c.905A>G, p.Asp302Gly (NM_001288781.1); c.263A>G, p.Asp88Gly (NM_001288782.1); c.140A>G, p.Asp47Gly (NM_001288783.1); c.827A>G, p.Asp276Gly (NM_001366535.2, NM_198309.3); c.737A>G, p.Asp246Gly (NM_001366536.2, NM_198310.3); short protein forms D47G, D88G, D246G, D276G, D286G, D302G.
Identifiers: ClinVar variation 2085872 (VCV002085872.4), dbSNP rs1236390567, ClinGen allele CA390546771.